The following is an entry in ClinVar:

ClinVar aggregate classification (germline): Uncertain significance. Review status: criteria provided, multiple submitters, no conflicts (2 of 4 stars). 2 submissions from 2 submitters: Uncertain significance (2). Last evaluated 2025-04-01.

Conditions:
Dilated Cardiomyopathy, Recessive.

Allele frequency attached by ClinVar (database versions not stated): ExAC below 0.00001; gnomAD exomes 0.00001; TOPMed 0.00003; gnomAD 0.00005 and 0.00006; ESP Exome Variant Server 0.00008.
gnomAD v4.1: 39 of 1,574,168 alleles (0.0025%); highest among the groups gnomAD compares: African/African-American, 0.011%; no homozygotes.

Submissions (2):

Ambry Genetics
Classification: Uncertain significance. Last evaluated: 2025-04-01. Review status: criteria provided, single submitter. Criteria: Ambry Variant Classification Scheme 2023. Collection method: clinical testing. Allele origin: germline.

Labcorp Genetics (formerly Invitae), Labcorp
Classification: Uncertain significance. Last evaluated: 2023-11-24. Review status: criteria provided, single submitter. Criteria: Invitae Variant Classification Sherloc (09022015). Collection method: clinical testing. Allele origin: germline.
Comment: This sequence change replaces arginine, which is basic and polar, with cysteine, which is neutral and slightly polar, at codon 897 of the PLEKHM2 protein (p.Arg897Cys). This variant is present in population databases (rs375841573, gnomAD 0.01%). This variant has not been reported in the literature in individuals affected with PLEKHM2-related conditions. ClinVar contains an entry for this variant (Variation ID: 1019017). Algorithms developed to predict the effect of missense changes on protein structure and function output the following: SIFT: "Not Available"; PolyPhen-2: "Benign"; Align-GVGD: "Not Available". The cysteine amino acid residue is found in multiple mammalian species, which suggests that this missense change does not adversely affect protein function. In summary, the available evidence is currently insufficient to determine the role of this variant in disease. Therefore, it has been classified as a Variant of Uncertain Significance.

NM_015164.4(PLEKHM2):c.2689C>T (p.Arg897Cys)

Gene: PLEKHM2 (pleckstrin homology and RUN domain containing M2; plus strand). Cytogenetic location: 1p36.21.
Variant type: single nucleotide variant.
Coding change: c.2689C>T on transcript NM_015164.4 (MANE Select); coding-DNA position 2689, C replaced by T.
Protein change: p.Arg897Cys; replaces arginine 897 with cysteine.
Molecular consequence: missense variant.
Genome position (GRCh38, 1-based): chr1:15,732,413, C>T. VCF-style: chr1-15732413-C-T. GRCh37 (hg19) VCF-style: chr1-16058908-C-T.
Other names: c.2689C>T (NM_015164.2); short protein forms R897C.
Identifiers: ClinVar variation 1019017 (VCV001019017.8), dbSNP rs375841573, ClinGen allele CA617328.